The following is an entry in ClinVar:

ClinVar aggregate classification (germline): Uncertain significance (1 of 4 stars; one submission).

Submission:

Labcorp Genetics (formerly Invitae), Labcorp
Classification: Uncertain significance. Last evaluated: 2025-08-22. Review status: criteria provided, single submitter. Criteria: Invitae Variant Classification Sherloc (09022015). Collection method: clinical testing. Allele origin: germline.
Comment: This variant, c.480_482del, results in the deletion of 1 amino acid(s) of the NT5C3A protein (p.Phe161del), but otherwise preserves the integrity of the reading frame. This variant is present in population databases (no rsID available, gnomAD 0.007%). This variant has been observed in individual(s) with clinical features of P5′NI deficiency (PMID: 36434495). ClinVar contains an entry for this variant (Variation ID: 1502788). Experimental studies and prediction algorithms are not available or were not evaluated, and the functional significance of this variant is currently unknown. In summary, the available evidence is currently insufficient to determine the role of this variant in disease. Therefore, it has been classified as a Variant of Uncertain Significance.

Literature cited by the submitters: PubMed 36434495.

NM_001002010.5(NT5C3A):c.582_584del (p.Phe195del)

Gene: NT5C3A (5'-nucleotidase, cytosolic IIIA; minus strand). Cytogenetic location: 7p14.3.
Variant type: Deletion.
Coding change: c.582_584del on transcript NM_001002010.5 (MANE Select); coding-DNA positions 582 to 584, 3 bases deleted (GTT; older notation c.582_584delGTT).
Protein change: p.Phe195del; deletes phenylalanine 195.
Molecular consequence: inframe deletion.
Genome position (GRCh38, 1-based): chr7:33,017,548-33,017,550, AAC deleted on the plus strand (GTT on the coding strand, the reverse complement: NT5C3A is on the minus strand); deleting any 3 consecutive bases within chr7:33,017,548-33,017,551 gives the same sequence; the c. name uses the placement nearest the transcript's 3' end. VCF-style (leftmost placement, unchanged base first): chr7-33017547-GAAC-G. GRCh37 (hg19) VCF-style: chr7-33057159-GAAC-G.
Other names: c.480_482del, p.Phe161del (NM_001002009.3, NM_016489.14); c.444_446del, p.Phe149del (NM_001166118.3, NM_001356996.3, NM_001374336.1 and 1 more transcripts); c.483_485del, p.Phe162del (NM_001374335.1); c.582_584del, p.Phe195del (NM_001374338.1); c.381_383del, p.Phe128del (NM_001374339.1); short protein forms F149del, F161del, F195del, F128del, F162del.
Identifiers: ClinVar variation 1502788 (VCV001502788.6), dbSNP rs1227859962, ClinGen allele CA573761167.
Genomic context (GRCh38, chr7:33,017,547, plus strand): 5'-ATAAACACCAGCTTGACGAATAACTTCCTCTAGTACATCGCCGATTCCAGCCGAAAATAT[GAAC>G]ACGGGGATGCTATGTTGTTGGAGCTTATCAAAGAAATTCTCATATCCTTCTCTGTAAGAT-3'